The following is an entry in ClinVar:

ClinVar aggregate classification (germline): Uncertain significance. Review status: criteria provided, multiple submitters, no conflicts (2 of 4 stars). 2 submissions from 2 submitters: Uncertain significance (2). Last evaluated 2025-12-02.

Allele frequency attached by ClinVar (database versions not stated): ExAC 0.00002.
gnomAD v4.1: 24 of 1,613,646 alleles (0.0015%); highest among the groups gnomAD compares: Non-Finnish European, 0.002%; no homozygotes.

Submissions (2):

Labcorp Genetics (formerly Invitae), Labcorp
Classification: Uncertain significance. Last evaluated: 2025-12-02. Review status: criteria provided, single submitter. Criteria: Invitae Variant Classification Sherloc (09022015). Collection method: clinical testing. Allele origin: germline.
Comment: This sequence change creates a premature translational stop signal (p.Tyr253*) in the SLC10A2 gene. It is expected to result in an absent or disrupted protein product. However, the current clinical and genetic evidence is not sufficient to establish whether loss-of-function variants in SLC10A2 cause disease. This variant is present in population databases (rs150229163, gnomAD 0.004%). This variant has not been reported in the literature in individuals affected with SLC10A2-related conditions. ClinVar contains an entry for this variant (Variation ID: 2711583). In summary, the available evidence is currently insufficient to determine the role of this variant in disease. Therefore, it has been classified as a Variant of Uncertain Significance.

Blueprint Genetics
Classification: Uncertain significance. Last evaluated: 2024-11-07. Review status: criteria provided, single submitter. Criteria: ACMG Guidelines, 2015. Collection method: clinical testing. Allele origin: germline.

NM_000452.3(SLC10A2):c.759C>G (p.Tyr253Ter)

Gene: SLC10A2 (solute carrier family 10 member 2; minus strand). Cytogenetic location: 13q33.1.
Variant type: single nucleotide variant.
Coding change: c.759C>G on transcript NM_000452.3 (MANE Select); coding-DNA position 759, C replaced by G.
Protein change: p.Tyr253Ter; replaces tyrosine 253 with a stop codon.
Molecular consequence: nonsense.
Genome position (GRCh38, 1-based): chr13:103,051,259, G>C on the plus strand (C>G on the coding strand, the complement: SLC10A2 is on the minus strand). VCF-style: chr13-103051259-G-C. GRCh37 (hg19) VCF-style: chr13-103703609-G-C.
Other names: short protein forms Y253*.
Identifiers: ClinVar variation 2711583 (VCV002711583.4), dbSNP rs150229163, ClinGen allele CA7042071.